The following is an entry in ClinVar:

ClinVar aggregate classification (germline): Uncertain significance (1 of 4 stars; one submission).

Conditions:
Autosomal dominant polycystic kidney disease. Identifiers: Orphanet 730, MedGen C0085413, MONDO:0004691.

gnomAD v4.1: 3 of 1,612,366 alleles (0.00019%); highest among the groups gnomAD compares: Non-Finnish European, 0.000085%; no homozygotes.

Submission:

Labcorp Genetics (formerly Invitae), Labcorp
Classification: Uncertain significance for Autosomal dominant polycystic kidney disease. Last evaluated: 2025-08-23. Review status: criteria provided, single submitter. Criteria: Invitae Variant Classification Sherloc (09022015). Collection method: clinical testing. Allele origin: germline.
Comment: This sequence change replaces aspartic acid, which is acidic and polar, with valine, which is neutral and non-polar, at codon 891 of the PKD2 protein (p.Asp891Val). This variant is not present in population databases (gnomAD no frequency). This variant has not been reported in the literature in individuals affected with PKD2-related conditions. An algorithm developed to predict the effect of missense changes on protein structure and function (PolyPhen-2) suggests that this variant is likely to be disruptive. In summary, the available evidence is currently insufficient to determine the role of this variant in disease. Therefore, it has been classified as a Variant of Uncertain Significance.

NM_000297.4(PKD2):c.2672A>T (p.Asp891Val)

Gene: PKD2 (polycystin 2, transient receptor potential cation channel; plus strand). Cytogenetic location: 4q22.1.
Variant type: single nucleotide variant.
Coding change: c.2672A>T on transcript NM_000297.4 (MANE Select); coding-DNA position 2672, A replaced by T.
Protein change: p.Asp891Val; replaces aspartic acid 891 with valine.
Molecular consequence: missense variant. On other transcripts: non-coding transcript variant (1).
Genome position (GRCh38, 1-based): chr4:88,075,459, A>T. VCF-style: chr4-88075459-A-T. GRCh37 (hg19) VCF-style: chr4-88996611-A-T.
Other names: c.2447A>T, p.Asp816Val (NM_001440544.1); short protein forms D816V, D891V.
Identifiers: ClinVar variation 4749212 (VCV004749212.1).
Genomic context (GRCh38, chr4:88,075,459, plus strand): 5'-GACTTCCTAAGGCATTTCCTTCTACTGCCCCCAACACCAGTTTCTTTTTCCCTTTTTAGG[A>T]TGAAAGGCTGGGTCGTGACAGTGAAATCCATAGGGAACAGATGGAACGGCTAGTACGTGA-3'
Protein context (NP_000288.1, residues 881-901): LGRLLDGVAE[Asp891Val]ERLGRDSEIH